The following is an entry in ClinVar:

ClinVar aggregate classification (germline): Uncertain significance. Review status: criteria provided, multiple submitters, no conflicts (2 of 4 stars). 4 submissions from 4 submitters: Uncertain significance (4). Last evaluated 2025-06-01.

Conditions:
ROR2-related disorder. Also called: ROR2-related condition; ROR2-related disorders.
Autosomal recessive Robinow syndrome (RRS1). Also called: ROBINOW SYNDROME, AUTOSOMAL RECESSIVE 1; COSTOVERTEBRAL SEGMENTATION DEFECT WITH MESOMELIA; COVESDEM SYNDROME; ROR2-Related Robinow Syndrome. Identifiers: Orphanet 1507, Orphanet 97360, MedGen C5399974, MONDO:0009999, OMIM 268310.
Brachydactyly type B1 (BDB1). Identifiers: Orphanet 572385, Orphanet 93383, MedGen C1862112, MONDO:0007220, OMIM 113000.

gnomAD v4.1: 86 of 1,613,900 alleles (0.0053%); highest among the groups gnomAD compares: South Asian, 0.086%; no homozygotes.

Submissions (4):

CeGaT Center for Human Genetics Tuebingen
Classification: Uncertain significance. Last evaluated: 2025-06-01. Review status: criteria provided, single submitter. Criteria: CeGaT Center For Human Genetics Tuebingen Variant Classification Criteria Version 2. Collection method: clinical testing. Allele origin: germline. Affected: yes. Observed: 1 variant allele.
Comment: ROR2: PM2

PreventionGenetics, part of Exact Sciences
Classification: Uncertain significance for ROR2-related condition. Last evaluated: 2025-02-10. Review status: criteria provided, single submitter. Criteria: ACMG Guidelines, 2015. Collection method: clinical testing. Allele origin: germline.
Comment: The ROR2 c.1238C>T variant is predicted to result in the amino acid substitution p.Ala413Val. However, in an alternate transcript (NM_001318204), this variant is predicted to result in premature protein termination (c.1204C>T, p.Gln402*). To our knowledge, this variant has not been reported in the literature. This variant is reported in 0.056% of alleles in individuals of South Asian descent in gnomAD. At this time, the clinical significance of this variant is uncertain due to the absence of conclusive functional and genetic evidence.

Fulgent Genetics
Classification: Uncertain significance for Brachydactyly type B1; Autosomal recessive Robinow syndrome. Last evaluated: 2024-06-14. Review status: criteria provided, single submitter. Criteria: ACMG Guidelines, 2015. Collection method: clinical testing. Allele origin: germline.

Labcorp Genetics (formerly Invitae), Labcorp
Classification: Uncertain significance. Last evaluated: 2024-06-12. Review status: criteria provided, single submitter. Criteria: Invitae Variant Classification Sherloc (09022015). Collection method: clinical testing. Allele origin: germline.
Comment: This sequence change replaces alanine, which is neutral and non-polar, with valine, which is neutral and non-polar, at codon 413 of the ROR2 protein (p.Ala413Val). This variant is present in population databases (rs759014361, gnomAD 0.05%). This variant has not been reported in the literature in individuals affected with ROR2-related conditions. Advanced modeling of protein sequence and biophysical properties (such as structural, functional, and spatial information, amino acid conservation, physicochemical variation, residue mobility, and thermodynamic stability) performed at Invitae indicates that this missense variant is not expected to disrupt ROR2 protein function with a negative predictive value of 80%. In summary, the available evidence is currently insufficient to determine the role of this variant in disease. Therefore, it has been classified as a Variant of Uncertain Significance.

NM_004560.4(ROR2):c.1238C>T (p.Ala413Val)

Gene: ROR2 (ROR family WNT receptor 2; minus strand). Cytogenetic location: 9q22.31.
Variant type: single nucleotide variant.
Coding change: c.1238C>T on transcript NM_004560.4 (MANE Select); coding-DNA position 1238, C replaced by T.
Protein change: p.Ala413Val; replaces alanine 413 with valine.
Molecular consequence: missense variant. On other transcripts: nonsense (1).
Genome position (GRCh38, 1-based): chr9:91,726,689, G>A on the plus strand (C>T on the coding strand, the complement: ROR2 is on the minus strand). VCF-style: chr9-91726689-G-A. GRCh37 (hg19) VCF-style: chr9-94488971-G-A.
Other names: c.1238C>T (NM_004560.3); c.1204C>T, p.Gln402Ter (NM_001318204.2); short protein forms A413V, Q402*.
Identifiers: ClinVar variation 3597751 (VCV003597751.12).